The following is an entry in ClinVar:

ClinVar aggregate classification (germline): Uncertain significance (1 of 4 stars; one submission).

Conditions:
Charcot-Marie-Tooth disease dominant intermediate B (CMTDIB). Also called: CHARCOT-MARIE-TOOTH NEUROPATHY, DOMINANT INTERMEDIATE B; Charcot-Marie-Tooth disease dominant intermediate 1; CMT DI1; Charcot-Marie-Tooth disease dominant intermediate I. Identifiers: Orphanet 100044, Orphanet 228179, MedGen C1847902, MONDO:0011674, OMIM 606482.

Submission:

Labcorp Genetics (formerly Invitae), Labcorp
Classification: Uncertain significance for Charcot-Marie-Tooth disease dominant intermediate B. Last evaluated: 2020-04-15. Review status: criteria provided, single submitter. Criteria: Invitae Variant Classification Sherloc (09022015). Collection method: clinical testing. Allele origin: germline.
Comment: This variant results in a copy number gain of the genomic region encompassing exon(s) 1 of the DNM2 gene, which includes the initiator codon. The 5' end of this event is unknown as it extends beyond the assayed region for this gene and therefore may encompass additional genes. The 3' boundary is likely confined to intron 1 of the DNM2 gene. As the precise location of this event is unknown, it may be in tandem or it may be located elsewhere in the genome. This variant has not been reported in the literature in individuals with DNM2-related conditions. In summary, the available evidence is currently insufficient to determine the role of this variant in disease. Therefore, it has been classified as a Variant of Uncertain Significance.

NC_000019.9:g.(?_10828909)_(10829089_?)dup

Gene: DNM2 (dynamin 2; plus strand). Cytogenetic location: 19p13.2.
Variant type: Duplication.
Identifiers: ClinVar variation 1062440 (VCV001062440.1).